The following is an entry in ClinVar:

NM_019842.4(KCNQ5):c.1409G>A (p.Arg470Gln)

Gene: KCNQ5 (potassium voltage-gated channel subfamily Q member 5; plus strand). Cytogenetic location: 6q13.
Variant type: single nucleotide variant.
Coding change: c.1409G>A on transcript NM_019842.4 (MANE Select); coding-DNA position 1409, G replaced by A.
Protein change: p.Arg470Gln; replaces arginine 470 with glutamine.
Molecular consequence: missense variant. On other transcripts: intron variant (1).
Genome position (GRCh38, 1-based): chr6:73,133,582, G>A. VCF-style: chr6-73133582-G-A. GRCh37 (hg19) VCF-style: chr6-73843305-G-A.
Other names: c.1382G>A, p.Arg461Gln (NM_001160130.2); c.1439G>A, p.Arg480Gln (NM_001160132.2); c.1466G>A, p.Arg489Gln (NM_001160133.2); c.1247+9070G>A (NM_001160134.2); short protein forms R480Q, R489Q, R461Q, R470Q.
Identifiers: ClinVar variation 3668850 (VCV003668850.2).
Genomic context (GRCh38, chr6:73,133,582, plus strand): 5'-CCGACATCACAGCCGAGGGCAGTCCCACCAAAGTGCAGAAGAGCTGGAGCTTCAACGACC[G>A]AACCCGCTTCCGGCCCTCGCTGCGCCTCAAAAGTTCTCAGCCAAAACCAGTGATAGATGG-3'
Protein context (NP_062816.2, residues 460-480): KVQKSWSFND[Arg470Gln]TRFRPSLRLK

ClinVar aggregate classification (germline): Uncertain significance (1 of 4 stars; one submission).

gnomAD v4.1: 2 of 1,614,202 alleles (0.00012%); highest among the groups gnomAD compares: South Asian, 0.0011%; no homozygotes.

Submission:

Labcorp Genetics (formerly Invitae), Labcorp
Classification: Uncertain significance. Last evaluated: 2024-06-11. Review status: criteria provided, single submitter. Criteria: Invitae Variant Classification Sherloc (09022015). Collection method: clinical testing. Allele origin: germline.
Comment: This sequence change replaces arginine, which is basic and polar, with glutamine, which is neutral and polar, at codon 489 of the KCNQ5 protein (p.Arg489Gln). This variant is present in population databases (rs766811320, gnomAD 0.006%). This variant has not been reported in the literature in individuals affected with KCNQ5-related conditions. Advanced modeling of protein sequence and biophysical properties (such as structural, functional, and spatial information, amino acid conservation, physicochemical variation, residue mobility, and thermodynamic stability) performed at Invitae indicates that this missense variant is not expected to disrupt KCNQ5 protein function with a negative predictive value of 80%. In summary, the available evidence is currently insufficient to determine the role of this variant in disease. Therefore, it has been classified as a Variant of Uncertain Significance.